The following is an entry in ClinVar:

NM_000059.4(BRCA2):c.6071del (p.Gln2024fs)

Gene: BRCA2 (BRCA2 DNA repair associated; plus strand). Cytogenetic location: 13q13.1.
Variant type: Deletion.
Coding change: c.6071del on transcript NM_000059.4 (MANE Select); coding-DNA position 6071, one base deleted (A; older notation c.6071delA).
Protein change: p.Gln2024fs; shifts the reading frame from glutamine 2024.
Molecular consequence: frameshift variant.
Genome position (GRCh38, 1-based): chr13:32,340,426, A deleted. VCF-style (leftmost placement, unchanged base first): chr13-32340425-CA-C. GRCh37 (hg19) VCF-style: chr13-32914562-CA-C.
Other names: 6299delA; c.6071delA (NM_000059.3); short protein forms Q2024fs.
Identifiers: ClinVar variation 52002 (VCV000052002.4), dbSNP rs80359556, ClinGen allele CA023605.

ClinVar aggregate classification (germline): Pathogenic. Review status: reviewed by expert panel (3 of 4 stars). 2 submissions from 2 submitters: Pathogenic (1). 1 of the submissions does not count toward it. Last evaluated 2016-09-08.

Conditions:
Breast-ovarian cancer, familial, susceptibility to, 2 (BROVCA2). Also called: BRCA2 Hereditary Breast and Ovarian Cancer. Identifiers: Orphanet 145, MedGen C2675520, MONDO:0012933, OMIM 612555. Disease mechanism: loss of function.

Submissions (2):

Evidence-based Network for the Interpretation of Germline Mutant Alleles (ENIGMA)
Classification: Pathogenic for Breast-ovarian cancer, familial, susceptibility to, 2. Last evaluated: 2016-09-08. Review status: reviewed by expert panel. Criteria: ENIGMA BRCA1/2 Classification Criteria (2015). Collection method: curation. Allele origin: germline.
Comment: Variant allele predicted to encode a truncated non-functional protein.

Breast Cancer Information Core (BIC) (BRCA2)
Classification: Pathogenic for Breast-ovarian cancer, familial 2. Review status: no assertion criteria provided. Collection method: clinical testing. Allele origin: unknown. Affected: yes. Observed: 1 variant allele. Not counted in ClinVar's aggregate classification.